The following is an entry in ClinVar:

ClinVar aggregate classification (germline): Pathogenic. Review status: criteria provided, multiple submitters, no conflicts (2 of 4 stars). 2 submissions from 2 submitters: Pathogenic (2). Last evaluated 2025-04-22.

Conditions:
Hemolytic anemia due to glucophosphate isomerase deficiency (CNSHA4). Also called: ANEMIA, CONGENITAL, NONSPHEROCYTIC HEMOLYTIC, 4. Identifiers: Orphanet 712, MedGen C0272064, MONDO:0013275, OMIM 613470.

Submissions (2):

Labcorp Genetics (formerly Invitae), Labcorp
Classification: Pathogenic. Last evaluated: 2025-04-22. Review status: criteria provided, single submitter. Criteria: Invitae Variant Classification Sherloc (09022015). Collection method: clinical testing. Allele origin: germline.
Comment: This sequence change creates a premature translational stop signal (p.Glu82Serfs*32) in the GPI gene. It is expected to result in an absent or disrupted protein product. Loss-of-function variants in GPI are known to be pathogenic (PMID: 10916680, 27519939). This variant is present in population databases (rs769026153, gnomAD 0.006%). This variant has not been reported in the literature in individuals affected with GPI-related conditions. ClinVar contains an entry for this variant (Variation ID: 1323032). For these reasons, this variant has been classified as Pathogenic.

Revvity Omics, Revvity
Classification: Pathogenic for Hemolytic anemia due to glucophosphate isomerase deficiency. Last evaluated: 2019-09-26. Review status: criteria provided, single submitter. Criteria: ACMG Guidelines, 2015. Collection method: clinical testing. Allele origin: germline.

Literature cited by the submitters: PubMed 10916680 (cited by Labcorp Genetics (formerly Invitae), Labcorp); PubMed 27519939 (cited by Labcorp Genetics (formerly Invitae), Labcorp).

NM_000175.5(GPI):c.244del (p.Glu82fs)

Gene: GPI (glucose-6-phosphate isomerase; plus strand). Cytogenetic location: 19q13.11.
Variant type: Deletion.
Coding change: c.244del on transcript NM_000175.5 (MANE Select); coding-DNA position 244, one base deleted (G; older notation c.244delG).
Protein change: p.Glu82fs; shifts the reading frame from glutamic acid 82.
Molecular consequence: frameshift variant.
Genome position (GRCh38, 1-based): chr19:34,366,813, G deleted; the last of 3 consecutive G bases (chr19:34,366,811-34,366,813); deleting any one gives the same sequence. VCF-style (leftmost placement, unchanged base first): chr19-34366810-CG-C. GRCh37 (hg19) VCF-style: chr19-34857715-CG-C.
Other names: c.361del, p.Glu121fs (NM_001184722.1, NM_001289789.1); c.244del, p.Glu82fs (NM_001289790.3, NM_001329909.1, NM_001329910.1 and 1 more transcripts); short protein forms E121fs, E82fs.
Identifiers: ClinVar variation 1323032 (VCV001323032.8), dbSNP rs769026153, ClinGen allele CA9366927.